The following is an entry in ClinVar:

ClinVar aggregate classification (germline): Benign (0 of 4 stars; one submission).

Conditions:
NCOR2-related disorder. Also called: NCOR2-related condition.

Allele frequency attached by ClinVar (database versions not stated): ESP Exome Variant Server 0.03763; TOPMed 0.04291; gnomAD 0.04406; gnomAD exomes 0.04572; ExAC 0.05051; 1000 Genomes Project 30x 0.05403; 1000 Genomes Project 0.05731.
gnomAD v4.1: 73,416 of 1,610,376 alleles (4.6%); highest among the groups gnomAD compares: South Asian, 12%; 2,177 homozygotes.

Submission:

PreventionGenetics, part of Exact Sciences
Classification: Benign for NCOR2-related condition. Last evaluated: 2019-02-20. Review status: no assertion criteria provided. Collection method: clinical testing. Allele origin: germline.
Comment: This variant is classified as benign based on ACMG/AMP sequence variant interpretation guidelines (Richards et al. 2015 PMID: 25741868, with internal and published modifications).

NM_006312.6(NCOR2):c.5998G>A (p.Ala2000Thr)

Gene: NCOR2 (nuclear receptor corepressor 2; minus strand). Cytogenetic location: 12q24.31.
Variant type: single nucleotide variant.
Coding change: c.5998G>A on transcript NM_006312.6 (MANE Select); coding-DNA position 5998, G replaced by A.
Protein change: p.Ala2000Thr; replaces alanine 2000 with threonine.
Molecular consequence: missense variant.
Genome position (GRCh38, 1-based): chr12:124,336,870, C>T on the plus strand (G>A on the coding strand, the complement: NCOR2 is on the minus strand). VCF-style: chr12-124336870-C-T. GRCh37 (hg19) VCF-style: chr12-124821416-C-T.
Other names: c.5968G>A, p.Ala1990Thr (NM_001077261.4, NM_001206654.2); short protein forms A1990T, A2000T.
Identifiers: ClinVar variation 3055423 (VCV003055423.2), dbSNP rs2227277, ClinGen allele CA6867688.